The following is an entry in ClinVar:

ClinVar aggregate classification (germline): Uncertain significance (1 of 4 stars; one submission).

Allele frequency attached by ClinVar (database versions not stated): gnomAD 0.00001.
gnomAD v4.1: 2 of 1,614,102 alleles (0.00012%); highest among the groups gnomAD compares: African/African-American, 0.0027%; no homozygotes.

Submission:

Labcorp Genetics (formerly Invitae), Labcorp
Classification: Uncertain significance. Last evaluated: 2020-07-21. Review status: criteria provided, single submitter. Criteria: Invitae Variant Classification Sherloc (09022015). Collection method: clinical testing. Allele origin: germline.
Comment: This sequence change replaces aspartic acid with glutamic acid at codon 446 of the LBR protein (p.Asp446Glu). The aspartic acid residue is highly conserved and there is a small physicochemical difference between aspartic acid and glutamic acid. This variant is not present in population databases (ExAC no frequency). This variant has not been reported in the literature in individuals with LBR-related conditions. Advanced modeling of protein sequence and biophysical properties (such as structural, functional, and spatial information, amino acid conservation, physicochemical variation, residue mobility, and thermodynamic stability) performed at Invitae indicates that this missense variant is expected to disrupt LBR protein function. In summary, the available evidence is currently insufficient to determine the role of this variant in disease. Therefore, it has been classified as a Variant of Uncertain Significance.

NM_002296.4(LBR):c.1338C>A (p.Asp446Glu)

Gene: LBR (lamin B receptor; minus strand). Cytogenetic location: 1q42.12.
Variant type: single nucleotide variant.
Coding change: c.1338C>A on transcript NM_002296.4 (MANE Select); coding-DNA position 1338, C replaced by A.
Protein change: p.Asp446Glu; replaces aspartic acid 446 with glutamic acid.
Molecular consequence: missense variant.
Genome position (GRCh38, 1-based): chr1:225,406,809, G>T on the plus strand (C>A on the coding strand, the complement: LBR is on the minus strand). VCF-style: chr1-225406809-G-T. GRCh37 (hg19) VCF-style: chr1-225594511-G-T.
Other names: c.1338C>A, p.Asp446Glu (NM_194442.3); short protein forms D446E.
Identifiers: ClinVar variation 1057492 (VCV001057492.9), dbSNP rs2096092813, ClinGen allele CA344994705.